The following is an entry in ClinVar:

NM_020822.3(KCNT1):c.2349+148A>G

Gene: KCNT1 (potassium sodium-activated channel subfamily T member 1; plus strand). Cytogenetic location: 9q34.3.
Variant type: single nucleotide variant.
Coding change: c.2349+148A>G on transcript NM_020822.3 (MANE Select); 148 bases into the intron after coding-DNA position 2349, A replaced by G.
Molecular consequence: intron variant.
Genome position (GRCh38, 1-based): chr9:135,775,563, A>G. VCF-style: chr9-135775563-A-G. GRCh37 (hg19) VCF-style: chr9-138667409-A-G.
Other names: c.2214+148A>G (NM_001272003.2).
Identifiers: ClinVar variation 682428 (VCV000682428.2), dbSNP rs111494768, ClinGen allele CA201476235.
Genomic context (GRCh38, chr9:135,775,563, plus strand): 5'-TACATTTCGATACCATTGCAAACTTCTAGCACAGCTGCAAGAATTCTGCAAGGGAGAGCC[A>G]CAGATCCTTCACCCAGATTCAGCAGACGGTCCCTTCCTGTCCCGTTTGGGCTCTCCCTCT-3'

ClinVar aggregate classification (germline): Benign. Review status: criteria provided, multiple submitters, no conflicts (2 of 4 stars). 2 submissions from 2 submitters: Benign (2). Last evaluated 2018-06-19.

Allele frequency attached by ClinVar (database versions not stated): gnomAD exomes 0.02395; 1000 Genomes Project 0.03315; 1000 Genomes Project 30x 0.03513; gnomAD 0.03596 and 0.03687; TOPMed 0.04033.
gnomAD v4.1: 16,247 of 594,156 alleles (2.7%); highest among the groups gnomAD compares: Middle Eastern, 7.5%; 369 homozygotes.

Submissions (2):

GeneDx
Classification: Benign. Last evaluated: 2018-06-19. Review status: criteria provided, single submitter. Criteria: GeneDx Variant Classification (06012015). Collection method: clinical testing. Allele origin: germline. Affected: yes.
Comment: This variant is considered likely benign or benign based on one or more of the following criteria: it is a conservative change, it occurs at a poorly conserved position in the protein, it is predicted to be benign by multiple in silico algorithms, and/or has population frequency not consistent with disease.

Breakthrough Genomics
Classification: Benign. Review status: criteria provided, single submitter. Criteria: ACMG Guidelines, 2015. Collection method: not provided. Allele origin: germline. Inheritance: Autosomal dominant inheritance. Affected: yes.